The following is an entry in ClinVar:

ClinVar aggregate classification (germline): Conflicting classifications of pathogenicity. Review status: criteria provided, conflicting classifications (1 of 4 stars). 2 submissions from 2 submitters: Uncertain significance (1); Benign (1). Last evaluated 2024-11-13.

Conditions:
KBG syndrome (KBGS). Also called: ANKRD11-Related KBG Syndrome. Identifiers: Orphanet 2332, MedGen C0220687, MONDO:0007846, OMIM 148050.

Allele frequency attached by ClinVar (database versions not stated): gnomAD exomes below 0.00001; TOPMed 0.00001.

Submissions (2):

GeneDx
Classification: Uncertain significance. Last evaluated: 2024-11-13. Review status: criteria provided, single submitter. Criteria: GeneDx Variant Classification Process June 2021. Collection method: clinical testing. Allele origin: germline.
Comment: Not observed at significant frequency in large population cohorts (gnomAD); In silico analysis supports that this missense variant has a deleterious effect on protein structure/function; Missense variant in a gene in which most reported pathogenic variants are truncating/loss of function; Has not been previously published as pathogenic or benign to our knowledge

Labcorp Genetics (formerly Invitae), Labcorp
Classification: Benign for KBG syndrome. Last evaluated: 2023-06-04. Review status: criteria provided, single submitter. Criteria: Invitae Variant Classification Sherloc (09022015). Collection method: clinical testing. Allele origin: germline.

NM_013275.6(ANKRD11):c.649G>A (p.Ala217Thr)

Gene: ANKRD11 (ankyrin repeat domain 11; minus strand). Cytogenetic location: 16q24.3.
Variant type: single nucleotide variant.
Coding change: c.649G>A on transcript NM_013275.6 (MANE Select); coding-DNA position 649, G replaced by A.
Protein change: p.Ala217Thr; replaces alanine 217 with threonine.
Molecular consequence: missense variant. On other transcripts: non-coding transcript variant (1).
Genome position (GRCh38, 1-based): chr16:89,288,623, C>T on the plus strand (G>A on the coding strand, the complement: ANKRD11 is on the minus strand). VCF-style: chr16-89288623-C-T. GRCh37 (hg19) VCF-style: chr16-89355031-C-T.
Other names: c.649G>A, p.Ala217Thr (NM_001256182.2, NM_001256183.2); c.649G>A (NM_013275.5); short protein forms A217T.
Identifiers: ClinVar variation 3008644 (VCV003008644.5), dbSNP rs201064656, ClinGen allele CA397166972.
Genomic context (GRCh38, chr16:89,288,623, plus strand): 5'-GCGTGTCGTCATCTAGGCCCTTGGTGTTCACCTCCGCACCTGCAGCCAGCAGCTGCTTCG[C>T]GACGTCGTAGTAGCCCCGGTTACAGGCCTCGTGCAGCGCCGTCCAGCCTGGAAACAGACA-3'
Protein context (NP_037407.4, residues 207-227): EACNRGYYDV[Ala217Thr]KQLLAAGAEV